The following is an entry in ClinVar:

ClinVar aggregate classification (germline): Uncertain significance (1 of 4 stars; one submission).

Allele frequency attached by ClinVar (database versions not stated): gnomAD 0.00001; gnomAD exomes 0.00001; ExAC 0.00002.
gnomAD v4.1: 18 of 1,614,068 alleles (0.0011%); highest among the groups gnomAD compares: South Asian, 0.0022%; no homozygotes.

Submission:

Labcorp Genetics (formerly Invitae), Labcorp
Classification: Uncertain significance. Last evaluated: 2024-09-24. Review status: criteria provided, single submitter. Criteria: Invitae Variant Classification Sherloc (09022015). Collection method: clinical testing. Allele origin: germline.
Comment: This sequence change replaces arginine, which is basic and polar, with histidine, which is basic and polar, at codon 302 of the DLL3 protein (p.Arg302His). This variant is present in population databases (rs775820811, gnomAD 0.003%). This variant has not been reported in the literature in individuals affected with DLL3-related conditions. ClinVar contains an entry for this variant (Variation ID: 1964631). An algorithm developed to predict the effect of missense changes on protein structure and function (PolyPhen-2) suggests that this variant is likely to be disruptive. In summary, the available evidence is currently insufficient to determine the role of this variant in disease. Therefore, it has been classified as a Variant of Uncertain Significance.

NM_203486.3(DLL3):c.905G>A (p.Arg302His)

Gene: DLL3 (delta like canonical Notch ligand 3; plus strand). Cytogenetic location: 19q13.2.
Variant type: single nucleotide variant.
Coding change: c.905G>A on transcript NM_203486.3 (MANE Select); coding-DNA position 905, G replaced by A.
Protein change: p.Arg302His; replaces arginine 302 with histidine.
Molecular consequence: missense variant.
Genome position (GRCh38, 1-based): chr19:39,505,263, G>A. VCF-style: chr19-39505263-G-A. GRCh37 (hg19) VCF-style: chr19-39995903-G-A.
Other names: c.905G>A, p.Arg302His (NM_016941.4); short protein forms R302H.
Identifiers: ClinVar variation 1964631 (VCV001964631.4), dbSNP rs775820811, ClinGen allele CA9432307.
Genomic context (GRCh38, chr19:39,505,263, plus strand): 5'-TCTCAAGTACTCTTGTCCCTGCCCAGGAGACACCCAGGTCCTTTGAATGCACCTGCCCGC[G>A]TGGGTTCTACGGGCTGCGGTGTGAGGTGAGCGGGGTGACATGTGCAGATGGACCCTGCTT-3'
Protein context (NP_982353.1, residues 292-312): TPRSFECTCP[Arg302His]GFYGLRCEVS